The following is an entry in ClinVar:

ClinVar aggregate classification (germline): Uncertain significance (1 of 4 stars; one submission).

Allele frequency attached by ClinVar (database versions not stated): gnomAD exomes below 0.00001 and 0.00001; TOPMed below 0.00001; ExAC 0.00001; gnomAD 0.00001.
gnomAD v4.1: 4 of 1,605,608 alleles (0.00025%); highest among the groups gnomAD compares: Admixed American, 0.005%; no homozygotes.

Submission:

Labcorp Genetics (formerly Invitae), Labcorp
Classification: Uncertain significance. Last evaluated: 2023-11-27. Review status: criteria provided, single submitter. Criteria: Invitae Variant Classification Sherloc (09022015). Collection method: clinical testing. Allele origin: germline.
Comment: This sequence change replaces threonine, which is neutral and polar, with alanine, which is neutral and non-polar, at codon 703 of the PDE6B protein (p.Thr703Ala). This variant is present in population databases (rs757484823, gnomAD 0.006%). This variant has not been reported in the literature in individuals affected with PDE6B-related conditions. ClinVar contains an entry for this variant (Variation ID: 1465712). Advanced modeling of protein sequence and biophysical properties (such as structural, functional, and spatial information, amino acid conservation, physicochemical variation, residue mobility, and thermodynamic stability) performed at Invitae indicates that this missense variant is not expected to disrupt PDE6B protein function with a negative predictive value of 95%. In summary, the available evidence is currently insufficient to determine the role of this variant in disease. Therefore, it has been classified as a Variant of Uncertain Significance.

NM_000283.4(PDE6B):c.2107A>G (p.Thr703Ala)

Gene: PDE6B (phosphodiesterase 6B; plus strand). Cytogenetic location: 4p16.3.
Variant type: single nucleotide variant.
Coding change: c.2107A>G on transcript NM_000283.4 (MANE Select); coding-DNA position 2107, A replaced by G.
Protein change: p.Thr703Ala; replaces threonine 703 with alanine.
Molecular consequence: missense variant.
Genome position (GRCh38, 1-based): chr4:664,199, A>G. VCF-style: chr4-664199-A-G. GRCh37 (hg19) VCF-style: chr4-657988-A-G.
Other names: c.2107A>G, p.Thr703Ala (NM_001145291.2); c.1270A>G, p.Thr424Ala (NM_001145292.2, NM_001350154.3, NM_001379246.1 and 1 more transcripts); c.952A>G, p.Thr318Ala (NM_001350155.3); short protein forms T424A, T703A, T318A.
Identifiers: ClinVar variation 1465712 (VCV001465712.8), dbSNP rs757484823, ClinGen allele CA2794849.